The following is an entry in ClinVar:

ClinVar aggregate classification (germline): Uncertain significance (1 of 4 stars; one submission).

Conditions:
Familial cancer of breast. Also called: hereditary breast carcinoma; BREAST CANCER, FAMILIAL; Hereditary breast cancer. Identifiers: Orphanet 227535, MedGen C0346153, MONDO:0016419, OMIM 114480. Disease mechanism: loss of function.

Submission:

Labcorp Genetics (formerly Invitae), Labcorp
Classification: Uncertain significance for Familial cancer of breast. Last evaluated: 2021-05-25. Review status: criteria provided, single submitter. Criteria: Invitae Variant Classification Sherloc (09022015). Collection method: clinical testing. Allele origin: germline.
Comment: This sequence change replaces glutamine with leucine at codon 11 of the BARD1 protein (p.Gln11Leu). The glutamine residue is weakly conserved and there is a moderate physicochemical difference between glutamine and leucine. This variant is not present in population databases (ExAC no frequency). This variant has not been reported in the literature in individuals with BARD1-related conditions. Algorithms developed to predict the effect of missense changes on protein structure and function (SIFT, PolyPhen-2, Align-GVGD) all suggest that this variant is likely to be tolerated, but these predictions have not been confirmed by published functional studies and their clinical significance is uncertain. In summary, the available evidence is currently insufficient to determine the role of this variant in disease. Therefore, it has been classified as a Variant of Uncertain Significance.

NM_000465.4(BARD1):c.32A>T (p.Gln11Leu)

Gene: BARD1 (BRCA1 associated RING domain 1; minus strand). Cytogenetic location: 2q35.
Variant type: single nucleotide variant.
Coding change: c.32A>T on transcript NM_000465.4 (MANE Select); coding-DNA position 32, A replaced by T.
Protein change: p.Gln11Leu; replaces glutamine 11 with leucine.
Molecular consequence: missense variant. On other transcripts: non-coding transcript variant (3).
Genome position (GRCh38, 1-based): chr2:214,809,538, T>A on the plus strand (A>T on the coding strand, the complement: BARD1 is on the minus strand). VCF-style: chr2-214809538-T-A. GRCh37 (hg19) VCF-style: chr2-215674262-T-A.
Other names: c.32A>T, p.Gln11Leu (NM_001282543.2, NM_001282545.2, NM_001282548.2 and 1 more transcripts); short protein forms Q11L.
Identifiers: ClinVar variation 1473015 (VCV001473015.9), dbSNP rs1696474319, ClinGen allele CA350465374.
Genomic context (GRCh38, chr2:214,809,538, plus strand): 5'-CGACCATCCGGTTCCATGGCGGGCGCGGAACGAGGCTCGTTCCCGGAGCGGATCCTCGGC[T>A]GCCGGTTCCTCGGCTGCCGATTATCCGGCATCGTCCCGCCTTCGGATGAAAGGCTCCTCG-3'
Protein context (NP_000456.2, residues 1-21): MPDNRQPRNR[Gln11Leu]PRIRSGNEPR